The following is an entry in ClinVar:

ClinVar aggregate classification (germline): Uncertain significance (1 of 4 stars; one submission).

Conditions:
Neuropathy, hereditary sensory, type 1F. Also called: Hereditary sensory neuropathy type IF; HSN IF. Identifiers: Orphanet 36386, MedGen C3810194, MONDO:0014286, OMIM 615632.

Allele frequency attached by ClinVar (database versions not stated): TOPMed below 0.00001.

Submission:

Labcorp Genetics (formerly Invitae), Labcorp
Classification: Uncertain significance for Neuropathy, hereditary sensory, type 1F. Last evaluated: 2025-09-02. Review status: criteria provided, single submitter. Criteria: Invitae Variant Classification Sherloc (09022015). Collection method: clinical testing. Allele origin: germline.
Comment: This sequence change replaces leucine, which is neutral and non-polar, with valine, which is neutral and non-polar, at codon 460 of the ATL3 protein (p.Leu460Val). This variant is not present in population databases (gnomAD no frequency). This variant has not been reported in the literature in individuals affected with ATL3-related conditions. ClinVar contains an entry for this variant (Variation ID: 474833). Invitae Evidence Modeling of protein sequence and biophysical properties (such as structural, functional, and spatial information, amino acid conservation, physicochemical variation, residue mobility, and thermodynamic stability) indicates that this missense variant is not expected to disrupt ATL3 protein function with a negative predictive value of 80%. In summary, the available evidence is currently insufficient to determine the role of this variant in disease. Therefore, it has been classified as a Variant of Uncertain Significance.

NM_015459.5(ATL3):c.1378C>G (p.Leu460Val)

Genes: ATL3 (atlastin GTPase 3; minus strand), LNCROPM (lncRNA regulator of PLAAT3 mediated phospholipid metabolism; plus strand). Cytogenetic location: 11q13.1.
Variant type: single nucleotide variant.
Coding change: c.1378C>G on transcript NM_015459.5 (MANE Select); coding-DNA position 1378, C replaced by G.
Protein change: p.Leu460Val; replaces leucine 460 with valine.
Molecular consequence: missense variant.
Genome position (GRCh38, 1-based): chr11:63,631,201, G>C on the plus strand (C>G on the coding strand, the complement: ATL3 is on the minus strand). VCF-style: chr11-63631201-G-C. GRCh37 (hg19) VCF-style: chr11-63398673-G-C.
Other names: c.1324C>G, p.Leu442Val (NM_001290048.2); short protein forms L442V, L460V.
Identifiers: ClinVar variation 474833 (VCV000474833.8), dbSNP rs1463846374, ClinGen allele CA381025070.